The following is an entry in ClinVar:

ClinVar aggregate classification (germline): Uncertain significance (1 of 4 stars; one submission).

gnomAD v4.1: 908 of 1,466,020 alleles (0.062%); highest among the groups gnomAD compares: Non-Finnish European, 0.078%; 2 homozygotes.

Submission:

Dasa
Classification: Uncertain significance. Last evaluated: 2025-11-25. Review status: criteria provided, single submitter. Criteria: DASA Assertion Criteria. Collection method: clinical testing. Allele origin: germline.
Comment: NM_001085458.2(CTNND1):c.943C>T (p.Arg315Cys) is a missense variant that results in the substitution of arginine with cysteine. This variant is rare in population databases. The currently available literature and clinical evidence are not sufficient to establish a definitive association between this variant and the reported condition. Therefore, this variant is classified as a variant of uncertain significance.

NM_001085458.2(CTNND1):c.943C>T (p.Arg315Cys)

Genes: CTNND1 (catenin delta 1; plus strand), TMX2-CTNND1 (TMX2-CTNND1 readthrough (NMD candidate); plus strand). Cytogenetic location: 11q12.1.
Variant type: single nucleotide variant.
Coding change: c.943C>T on transcript NM_001085458.2 (MANE Select); coding-DNA position 943, C replaced by T.
Protein change: p.Arg315Cys; replaces arginine 315 with cysteine.
Molecular consequence: missense variant. On other transcripts: non-coding transcript variant (1).
Genome position (GRCh38, 1-based): chr11:57,796,979, C>T. VCF-style: chr11-57796979-C-T. GRCh37 (hg19) VCF-style: chr11-57564451-C-T.
Other names: c.943C>T, p.Arg315Cys (NM_001085459.2, NM_001085460.2, NM_001085461.2 and 3 more transcripts); c.640C>T, p.Arg214Cys (NM_001085463.2, NM_001085464.2, NM_001085465.2 and 5 more transcripts); c.781C>T, p.Arg261Cys (NM_001206883.2, NM_001206884.2, NM_001206886.2 and 4 more transcripts); short protein forms R214C, R261C, R315C.
Identifiers: ClinVar variation 4885689 (VCV004885689.2).
Genomic context (GRCh38, chr11:57,796,979, plus strand): 5'-GATTATGGTATGATGTCTGATTATGGCACTGCCCGTCGGACTGGGACACCCTCTGACCCT[C>T]GTCGGCGCCTCAGGTAGGCAAGAATAGGGGAAGAGAAAAGGGTCTTTCCAAGACCAGGGA-3'
Protein context (NP_001078927.1, residues 305-325): ARRTGTPSDP[Arg315Cys]RRLRSYEDMI